The following is an entry in ClinVar:

ClinVar aggregate classification (germline): Pathogenic/Likely pathogenic. Review status: criteria provided, multiple submitters, no conflicts (2 of 4 stars). 2 submissions from 2 submitters: Pathogenic (1); Likely pathogenic (1). Last evaluated 2023-12-05.

Conditions:
NPR2-related disorder. Also called: NPR2-related disorders; NPR2-related condition.
Acromesomelic dysplasia 1, Maroteaux type (AMD1). Also called: ST. HELENA DYSPLASIA; ACROMESOMELIC DYSPLASIA 1. Identifiers: Orphanet 40, MedGen C1864356, MONDO:0011275, OMIM 602875.
Tall stature-scoliosis-macrodactyly of the great toes syndrome. Also called: Epiphyseal chondrodysplasia, miura type. Identifiers: Orphanet 329191, MedGen C4014690, MONDO:0014401, OMIM 615923.

Submissions (2):

Blueprint Genetics
Classification: Likely pathogenic for NPR2-related disorders. Last evaluated: 2023-12-05. Review status: criteria provided, single submitter. Criteria: ACMG Guidelines, 2015. Collection method: clinical testing. Allele origin: germline. Affected: yes. Observed: 1 variant allele.

Labcorp Genetics (formerly Invitae), Labcorp
Classification: Pathogenic for Tall stature-scoliosis-macrodactyly of the great toes syndrome; Acromesomelic dysplasia 1, Maroteaux type. Last evaluated: 2021-11-02. Review status: criteria provided, single submitter. Criteria: Invitae Variant Classification Sherloc (09022015). Collection method: clinical testing. Allele origin: germline.
Comment: This sequence change creates a premature translational stop signal (p.Arg741*) in the NPR2 gene. It is expected to result in an absent or disrupted protein product. Loss-of-function variants in NPR2 are known to be pathogenic (PMID: 15146390, 15572448, 16384845). This variant is not present in population databases (gnomAD no frequency). For these reasons, this variant has been classified as Pathogenic. This variant has not been reported in the literature in individuals affected with NPR2-related conditions.

Literature cited by the submitters: PubMed 15146390 (cited by Labcorp Genetics (formerly Invitae), Labcorp); PubMed 15572448 (cited by Labcorp Genetics (formerly Invitae), Labcorp); PubMed 16384845 (cited by Labcorp Genetics (formerly Invitae), Labcorp).

NM_003995.4(NPR2):c.2221C>T (p.Arg741Ter)

Gene: NPR2 (natriuretic peptide receptor 2; plus strand). Cytogenetic location: 9p13.3.
Variant type: single nucleotide variant.
Coding change: c.2221C>T on transcript NM_003995.4 (MANE Select); coding-DNA position 2221, C replaced by T.
Protein change: p.Arg741Ter; replaces arginine 741 with a stop codon.
Molecular consequence: nonsense.
Genome position (GRCh38, 1-based): chr9:35,806,082, C>T. VCF-style: chr9-35806082-C-T. GRCh37 (hg19) VCF-style: chr9-35806079-C-T.
Other names: c.2230C>T, p.Arg744Ter (NM_001378923.1); short protein forms R741*, R744*.
Identifiers: ClinVar variation 1459715 (VCV001459715.7), dbSNP rs2132090998, ClinGen allele CA373378749.